The following is an entry in ClinVar:

ClinVar aggregate classification (germline): Uncertain significance (1 of 4 stars; one submission).

Submission:

Labcorp Genetics (formerly Invitae), Labcorp
Classification: Uncertain significance. Last evaluated: 2022-11-17. Review status: criteria provided, single submitter. Criteria: Invitae Variant Classification Sherloc (09022015). Collection method: clinical testing. Allele origin: germline.
Comment: In summary, the available evidence is currently insufficient to determine the role of this variant in disease. Therefore, it has been classified as a Variant of Uncertain Significance. Advanced modeling of protein sequence and biophysical properties (such as structural, functional, and spatial information, amino acid conservation, physicochemical variation, residue mobility, and thermodynamic stability) has been performed at Invitae for this missense variant, however the output from this modeling did not meet the statistical confidence thresholds required to predict the impact of this variant on HUWE1 protein function. This variant has not been reported in the literature in individuals affected with HUWE1-related conditions. This variant is not present in population databases (gnomAD no frequency). This sequence change replaces cysteine, which is neutral and slightly polar, with tyrosine, which is neutral and polar, at codon 2181 of the HUWE1 protein (p.Cys2181Tyr).

NM_031407.7(HUWE1):c.6542G>A (p.Cys2181Tyr)

Gene: HUWE1 (HECT, UBA and WWE domain containing E3 ubiquitin protein ligase 1; minus strand). Cytogenetic location: Xp11.22.
Variant type: single nucleotide variant.
Coding change: c.6542G>A on transcript NM_031407.7 (MANE Select); coding-DNA position 6542, G replaced by A.
Protein change: p.Cys2181Tyr; replaces cysteine 2181 with tyrosine.
Molecular consequence: missense variant.
Genome position (GRCh38, 1-based): chrX:53,568,857, C>T on the plus strand (G>A on the coding strand, the complement: HUWE1 is on the minus strand). VCF-style: chrX-53568857-C-T. GRCh37 (hg19) VCF-style: chrX-53595817-C-T.
Other names: short protein forms C2181Y.
Identifiers: ClinVar variation 3011216 (VCV003011216.3), dbSNP rs2062689155, ClinGen allele CA413164230.